The following is an entry in ClinVar:

ClinVar aggregate classification (germline): Conflicting classifications of pathogenicity. Review status: criteria provided, conflicting classifications (1 of 4 stars). 3 submissions from 3 submitters: Uncertain significance (1); Likely benign (2). Last evaluated 2026-09-14.

Conditions:
CACNA2D1-related disorder. Also called: CACNA2D1-related condition.
Brugada syndrome. Also called: Sudden unexpected nocturnal death syndrome; Sudden unexplained nocturnal death syndrome; Sudden Unexplained Death Syndrome; Sudden Unexplained Nocturnal Death Syndrome (SUNDS). Identifiers: Orphanet 130, MedGen C1142166, MONDO:0015263.
Cardiovascular phenotype. Identifiers: MedGen CN230736.

Allele frequency attached by ClinVar (database versions not stated): gnomAD 0.00004 and 0.00003; TOPMed 0.00005.
gnomAD v4.1: 18 of 1,568,798 alleles (0.0011%); highest among the groups gnomAD compares: Admixed American, 0.0084%; no homozygotes.

Submissions (3):

PreventionGenetics, part of Exact Sciences
Classification: Likely benign for CACNA2D1-related condition. Last evaluated: 2026-09-14. Review status: criteria provided, single submitter. Criteria: ACMG Guidelines, 2015. Collection method: clinical testing. Allele origin: germline.
Comment: This variant is classified as likely benign based on ACMG/AMP sequence variant interpretation guidelines (Richards et al. 2015 PMID: 25741868, with internal and published modifications).

Labcorp Genetics (formerly Invitae), Labcorp
Classification: Uncertain significance for Brugada syndrome. Last evaluated: 2025-12-03. Review status: criteria provided, single submitter. Criteria: Invitae Variant Classification Sherloc (09022015). Collection method: clinical testing. Allele origin: germline.
Comment: This sequence change affects codon 714 of the CACNA2D1 mRNA. It is a 'silent' change, meaning that it does not change the encoded amino acid sequence of the CACNA2D1 protein. It affects a nucleotide within the consensus splice site. The frequency data for this variant in the population databases is considered unreliable, as metrics indicate poor data quality at this position in the gnomAD database. This variant has not been reported in the literature in individuals affected with CACNA2D1-related conditions. ClinVar contains an entry for this variant (Variation ID: 1498569). Algorithms developed to predict the effect of sequence changes on RNA splicing suggest that this variant is not likely to affect RNA splicing. In summary, the available evidence is currently insufficient to determine the role of this variant in disease. Therefore, it has been classified as a Variant of Uncertain Significance.

Ambry Genetics
Classification: Likely benign for Cardiovascular phenotype. Last evaluated: 2024-03-29. Review status: criteria provided, single submitter. Criteria: Ambry Variant Classification Scheme 2023. Collection method: clinical testing. Allele origin: germline.

NM_000722.4(CACNA2D1):c.2142C>T (p.Ile714=)

Gene: CACNA2D1 (calcium voltage-gated channel auxiliary subunit alpha2delta 1; minus strand). Cytogenetic location: 7q21.11.
Variant type: single nucleotide variant.
Coding change: c.2142C>T on transcript NM_000722.4 (MANE Select); coding-DNA position 2142, C replaced by T.
Protein change: p.Ile714=; no amino-acid change (isoleucine 714 retained).
Molecular consequence: synonymous variant.
Genome position (GRCh38, 1-based): chr7:81,970,737, G>A on the plus strand (C>T on the coding strand, the complement: CACNA2D1 is on the minus strand). VCF-style: chr7-81970737-G-A. GRCh37 (hg19) VCF-style: chr7-81600053-G-A.
Other names: c.2178C>T, p.Ile726= (NM_001366867.1); c.2142C>T (NM_000722.2, NM_000722.3).
Identifiers: ClinVar variation 1498569 (VCV001498569.9), dbSNP rs745501384, ClinGen allele CA4317719.
Genomic context (GRCh38, chr7:81,970,737, plus strand): 5'-TTTGGGATAAACTCTGGTAATCCCACCATCAGTCACAACAAATCGTGCTTTCACTCCCTT[G>A]CTGAAACAGAAGACAAAACAAGGAAATGTTCTATTGAACATATTCTAAAAAACAAAGTTA-3'
Protein context (NP_000713.2, residues 704-724): VQNYWSKQKN[Ile714=]KGVKARFVVT